The following is an entry in ClinVar:

ClinVar aggregate classification (germline): Uncertain significance (1 of 4 stars; one submission).

Conditions:
Arrhythmogenic right ventricular dysplasia 9 (ARVD9). Also called: Arrhythmogenic Right Ventricular Dysplasia/Cardiomyopathy 9; ARRHYTHMOGENIC RIGHT VENTRICULAR DYSPLASIA, FAMILIAL, 9. Identifiers: MedGen C1836906, MONDO:0012180, OMIM 609040.

gnomAD v4.1: 3 of 1,614,200 alleles (0.00019%); highest among the groups gnomAD compares: Non-Finnish European, 0.00025%; no homozygotes.

Submission:

Labcorp Genetics (formerly Invitae), Labcorp
Classification: Uncertain significance for Arrhythmogenic right ventricular dysplasia 9. Last evaluated: 2024-02-24. Review status: criteria provided, single submitter. Criteria: Invitae Variant Classification Sherloc (09022015). Collection method: clinical testing. Allele origin: germline.
Comment: This sequence change replaces threonine, which is neutral and polar, with arginine, which is basic and polar, at codon 216 of the PKP2 protein (p.Thr216Arg). This variant is not present in population databases (gnomAD no frequency). This variant has not been reported in the literature in individuals affected with PKP2-related conditions. ClinVar contains an entry for this variant (Variation ID: 1516378). An algorithm developed to predict the effect of missense changes on protein structure and function (PolyPhen-2) suggests that this variant is likely to be tolerated. In summary, the available evidence is currently insufficient to determine the role of this variant in disease. Therefore, it has been classified as a Variant of Uncertain Significance.

NM_001005242.3(PKP2):c.647C>G (p.Thr216Arg)

Gene: PKP2 (plakophilin 2; minus strand). Cytogenetic location: 12p11.21.
Variant type: single nucleotide variant.
Coding change: c.647C>G on transcript NM_001005242.3 (MANE Select); coding-DNA position 647, C replaced by G.
Protein change: p.Thr216Arg; replaces threonine 216 with arginine.
Molecular consequence: missense variant.
Genome position (GRCh38, 1-based): chr12:32,878,233, G>C on the plus strand (C>G on the coding strand, the complement: PKP2 is on the minus strand). VCF-style: chr12-32878233-G-C. GRCh37 (hg19) VCF-style: chr12-33031167-G-C.
Other names: c.647C>G, p.Thr216Arg (NM_004572.4); short protein forms T216R.
Identifiers: ClinVar variation 1516378 (VCV001516378.6), dbSNP rs2137948919, ClinGen allele CA384363769.